The following is an entry in ClinVar:

ClinVar aggregate classification (germline): Uncertain significance (1 of 4 stars; one submission).

Conditions:
FG syndrome (FGS). Identifiers: MedGen C0220769, MONDO:0002010.

Submission:

Labcorp Genetics (formerly Invitae), Labcorp
Classification: Uncertain significance for FG syndrome. Last evaluated: 2023-06-08. Review status: criteria provided, single submitter. Criteria: Invitae Variant Classification Sherloc (09022015). Collection method: clinical testing. Allele origin: germline.
Comment: In summary, the available evidence is currently insufficient to determine the role of this variant in disease. Therefore, it has been classified as a Variant of Uncertain Significance. This sequence change replaces serine, which is neutral and polar, with arginine, which is basic and polar, at codon 858 of the MED12 protein (p.Ser858Arg). This variant is not present in population databases (gnomAD no frequency). This variant has not been reported in the literature in individuals affected with MED12-related conditions. Advanced modeling of protein sequence and biophysical properties (such as structural, functional, and spatial information, amino acid conservation, physicochemical variation, residue mobility, and thermodynamic stability) has been performed at Invitae for this missense variant, however the output from this modeling did not meet the statistical confidence thresholds required to predict the impact of this variant on MED12 protein function.

NM_005120.3(MED12):c.2574C>G (p.Ser858Arg)

Gene: MED12 (mediator complex subunit 12; plus strand). Cytogenetic location: Xq13.1.
Variant type: single nucleotide variant.
Coding change: c.2574C>G on transcript NM_005120.3 (MANE Select); coding-DNA position 2574, C replaced by G.
Protein change: p.Ser858Arg; replaces serine 858 with arginine.
Molecular consequence: missense variant.
Genome position (GRCh38, 1-based): chrX:71,126,373, C>G. VCF-style: chrX-71126373-C-G. GRCh37 (hg19) VCF-style: chrX-70346223-C-G.
Other names: short protein forms S858R.
Identifiers: ClinVar variation 2866265 (VCV002866265.3), dbSNP rs776541226, ClinGen allele CA413515747.